The following is an entry in ClinVar:

ClinVar aggregate classification (germline): Uncertain significance (1 of 4 stars; one submission).

Allele frequency attached by ClinVar (database versions not stated): gnomAD exomes 0.00001 and 0.00002; TOPMed 0.00001; ExAC 0.00002.
gnomAD v4.1: 8 of 1,614,126 alleles (0.0005%); highest among the groups gnomAD compares: Admixed American, 0.013%; no homozygotes.

Submission:

Labcorp Genetics (formerly Invitae), Labcorp
Classification: Uncertain significance. Last evaluated: 2022-11-04. Review status: criteria provided, single submitter. Criteria: Invitae Variant Classification Sherloc (09022015). Collection method: clinical testing. Allele origin: germline.
Comment: In summary, the available evidence is currently insufficient to determine the role of this variant in disease. Therefore, it has been classified as a Variant of Uncertain Significance. Algorithms developed to predict the effect of missense changes on protein structure and function (SIFT, PolyPhen-2, Align-GVGD) all suggest that this variant is likely to be tolerated. ClinVar contains an entry for this variant (Variation ID: 1475577). This variant has not been reported in the literature in individuals affected with LOXL3-related conditions. This variant is present in population databases (rs770436498, gnomAD 0.02%). This sequence change replaces histidine, which is basic and polar, with tyrosine, which is neutral and polar, at codon 339 of the LOXL3 protein (p.His339Tyr).

NM_032603.5(LOXL3):c.1015C>T (p.His339Tyr)

Gene: LOXL3 (lysyl oxidase like 3; minus strand). Cytogenetic location: 2p13.1.
Variant type: single nucleotide variant.
Coding change: c.1015C>T on transcript NM_032603.5 (MANE Select); coding-DNA position 1015, C replaced by T.
Protein change: p.His339Tyr; replaces histidine 339 with tyrosine.
Molecular consequence: missense variant. On other transcripts: 5 prime UTR variant (1).
Genome position (GRCh38, 1-based): chr2:74,536,369, G>A on the plus strand (C>T on the coding strand, the complement: LOXL3 is on the minus strand). VCF-style: chr2-74536369-G-A. GRCh37 (hg19) VCF-style: chr2-74763496-G-A.
Other names: c.580C>T, p.His194Tyr (NM_001289164.3); c.-69C>T (NM_001289165.2); short protein forms H339Y, H194Y.
Identifiers: ClinVar variation 1475577 (VCV001475577.7), dbSNP rs770436498, ClinGen allele CA1729009.